The following is an entry in ClinVar:

ClinVar aggregate classification (germline): Uncertain significance (1 of 4 stars; one submission).

Conditions:
Retinitis pigmentosa 73 (RP73). Identifiers: Orphanet 791, MedGen C4225287, MONDO:0014687, OMIM 616544.
Mucopolysaccharidosis, MPS-III-C (MPS3C). Also called: SANFILIPPO SYNDROME C; MPS III C; Mucopolysaccharidosis type IIIC (Sanfilippo C); MUCOPOLYSACCHARIDOSIS, TYPE IIIC; mucopolysaccharidosis type 3C; MPS IIIC (Sanfilippo Syndrome Type C). Identifiers: Orphanet 581, Orphanet 79271, MedGen C0086649, MONDO:0009657, OMIM 252930.

Allele frequency attached by ClinVar (database versions not stated): gnomAD 0.00001; TOPMed below 0.00001.
gnomAD v4.1: 3 of 1,598,576 alleles (0.00019%); highest among the groups gnomAD compares: Non-Finnish European, 0.00026%; no homozygotes.

Submission:

Labcorp Genetics (formerly Invitae), Labcorp
Classification: Uncertain significance for Retinitis pigmentosa 73; Mucopolysaccharidosis, MPS-III-C. Last evaluated: 2022-07-08. Review status: criteria provided, single submitter. Criteria: Invitae Variant Classification Sherloc (09022015). Collection method: clinical testing. Allele origin: germline.
Comment: This variant has not been reported in the literature in individuals affected with HGSNAT-related conditions. Advanced modeling of protein sequence and biophysical properties (such as structural, functional, and spatial information, amino acid conservation, physicochemical variation, residue mobility, and thermodynamic stability) performed at Invitae indicates that this missense variant is expected to disrupt HGSNAT protein function. In summary, the available evidence is currently insufficient to determine the role of this variant in disease. Therefore, it has been classified as a Variant of Uncertain Significance. The frequency data for this variant in the population databases is considered unreliable, as metrics indicate poor data quality at this position in the gnomAD database. This sequence change replaces leucine, which is neutral and non-polar, with proline, which is neutral and non-polar, at codon 581 of the HGSNAT protein (p.Leu581Pro).

NM_152419.3(HGSNAT):c.1742T>C (p.Leu581Pro)

Gene: HGSNAT (heparan-alpha-glucosaminide N-acetyltransferase; plus strand). Cytogenetic location: 8p11.21.
Variant type: single nucleotide variant.
Coding change: c.1742T>C on transcript NM_152419.3 (MANE Select); coding-DNA position 1742, T replaced by C.
Protein change: p.Leu581Pro; replaces leucine 581 with proline.
Molecular consequence: missense variant.
Genome position (GRCh38, 1-based): chr8:43,199,403, T>C. VCF-style: chr8-43199403-T-C. GRCh37 (hg19) VCF-style: chr8-43054546-T-C.
Other names: c.1829T>C, p.Leu610Pro (NM_001363227.2); c.1550T>C, p.Leu517Pro (NM_001363228.2); c.878T>C, p.Leu293Pro (NM_001363229.2); short protein forms L293P, L517P, L581P, L610P.
Identifiers: ClinVar variation 1929039 (VCV001929039.5), dbSNP rs1289280677, ClinGen allele CA371121071.